The following is an entry in ClinVar:

NM_001040108.2(MLH3):c.2788dup (p.Thr930fs)

Gene: MLH3 (mutL homolog 3; minus strand). Cytogenetic location: 14q24.3.
Variant type: Duplication.
Coding change: c.2788dup on transcript NM_001040108.2 (MANE Select); coding-DNA position 2788, one base duplicated (A; older notation c.2788dupA).
Protein change: p.Thr930fs; shifts the reading frame from threonine 930.
Molecular consequence: frameshift variant.
Genome position (GRCh38, 1-based): chr14:75,046,868, T duplicated on the plus strand (A on the coding strand, the reverse complement: MLH3 is on the minus strand); the first of 6 consecutive T bases (chr14:75,046,868-75,046,873); duplicating any one gives the same sequence. VCF-style (leftmost placement, unchanged base first): chr14-75046867-G-GT. GRCh37 (hg19) VCF-style: chr14-75513570-G-GT.
Other names: c.2788dup, p.Thr930fs (NM_014381.3); c.2788dupA (NM_001040108.1); short protein forms T930fs.
Identifiers: ClinVar variation 3232498 (VCV003232498.3), dbSNP rs775277584, ClinGen allele CA263648007.

ClinVar aggregate classification (germline): Pathogenic. Review status: criteria provided, multiple submitters, no conflicts (2 of 4 stars). 2 submissions from 2 submitters: Pathogenic (2). Last evaluated 2026-06-01.

Conditions:
Colorectal cancer, hereditary nonpolyposis, type 7. Identifiers: Orphanet 144, MedGen C1858380, MONDO:0013725, OMIM 614385.

Submissions (2):

Ambry Genetics
Classification: Pathogenic. Last evaluated: 2026-06-01. Review status: criteria provided, single submitter. Criteria: Ambry Variant Classification Scheme 2023. Collection method: clinical testing. Allele origin: germline.
Comment: The c.2788dupA pathogenic mutation, located in coding exon 1 of the MLH3 gene, results from a duplication of A at nucleotide position 2788, causing a translational frameshift with a predicted alternate stop codon (p.T930Nfs*16). This variant is considered to be rare based on population cohorts in the Genome Aggregation Database (gnomAD). This variant is expected to result in loss of function by premature protein truncation or nonsense-mediated mRNA decay. As such, this variant is interpreted as a disease-causing mutation.

Myriad Genetics, Inc.
Classification: Pathogenic for Colorectal cancer, hereditary nonpolyposis, type 7. Last evaluated: 2025-12-29. Review status: criteria provided, single submitter. Criteria: Myriad Autosomal Dominant, Autosomal Recessive and X-Linked Classification Criteria (2023). Collection method: clinical testing. Allele origin: unknown.
Comment: This variant is considered pathogenic. This variant creates a frameshift predicted to result in premature protein truncation.